The following is an entry in ClinVar:

NM_001458.5(FLNC):c.4250A>G (p.Tyr1417Cys)

Gene: FLNC (filamin C; plus strand). Cytogenetic location: 7q32.1.
Variant type: single nucleotide variant.
Coding change: c.4250A>G on transcript NM_001458.5 (MANE Select); coding-DNA position 4250, A replaced by G.
Protein change: p.Tyr1417Cys; replaces tyrosine 1417 with cysteine.
Molecular consequence: missense variant.
Genome position (GRCh38, 1-based): chr7:128,846,867, A>G. VCF-style: chr7-128846867-A-G. GRCh37 (hg19) VCF-style: chr7-128486921-A-G.
Other names: c.4250A>G, p.Tyr1417Cys (NM_001127487.2); short protein forms Y1417C.
Identifiers: ClinVar variation 1739088 (VCV001739088.2), dbSNP rs2536643743, ClinGen allele CA369200847.

ClinVar aggregate classification (germline): Uncertain significance (1 of 4 stars; one submission).

Conditions:
Cardiovascular phenotype. Identifiers: MedGen CN230736.

Submission:

Ambry Genetics
Classification: Uncertain significance for Cardiovascular phenotype. Last evaluated: 2019-12-11. Review status: criteria provided, single submitter. Criteria: Ambry Variant Classification Scheme 2023. Collection method: clinical testing. Allele origin: germline.
Comment: The p.Y1417C variant (also known as c.4250A>G), located in coding exon 24 of the FLNC gene, results from an A to G substitution at nucleotide position 4250. The tyrosine at codon 1417 is replaced by cysteine, an amino acid with highly dissimilar properties. This amino acid position is highly conserved in available vertebrate species. In addition, this alteration is predicted to be deleterious by in silico analysis. Since supporting evidence is limited at this time, the clinical significance of this alteration remains unclear.